The following is an entry in ClinVar:

NM_015512.5(DNAH1):c.11572A>C (p.Lys3858Gln)

Gene: DNAH1 (dynein axonemal heavy chain 1; plus strand). Cytogenetic location: 3p21.1.
Variant type: single nucleotide variant.
Coding change: c.11572A>C on transcript NM_015512.5 (MANE Select); coding-DNA position 11572, A replaced by C.
Protein change: p.Lys3858Gln; replaces lysine 3858 with glutamine.
Molecular consequence: missense variant.
Genome position (GRCh38, 1-based): chr3:52,396,759, A>C. VCF-style: chr3-52396759-A-C. GRCh37 (hg19) VCF-style: chr3-52430775-A-C.
Other names: short protein forms K3858Q.
Identifiers: ClinVar variation 766923 (VCV000766923.14), dbSNP rs186366418, ClinGen allele CA2436212.
Genomic context (GRCh38, chr3:52,396,759, plus strand): 5'-GGCTTCAACATCCCCTATGAGTTCACGGATGGAGATCTGCGCATCTGCATCAGCCAGCTC[A>C]AGATGTTCCTGGACGAATATGATGACATCCCCTACAAGGTGGGCCTGGGGCAGACTGGGG-3'
Protein context (NP_056327.4, residues 3848-3868): GDLRICISQL[Lys3858Gln]MFLDEYDDIP

ClinVar aggregate classification (germline): Benign/Likely benign. Review status: criteria provided, multiple submitters, no conflicts (2 of 4 stars). 4 submissions from 4 submitters: Benign (1); Likely benign (2). 1 of the submissions does not count toward it. Last evaluated 2026-01-05.

Conditions:
DNAH1-related disorder. Also called: DNAH1-related condition.
Spermatogenic failure 18. Identifiers: MedGen C4539783, MONDO:0054615, OMIM 617576.
Ciliary dyskinesia, primary, 37 (CILD37). Also called: CILIARY DYSKINESIA, PRIMARY, 37, WITH OR WITHOUT SITUS INVERSUS. Identifiers: MedGen C4539798, MONDO:0033204, OMIM 617577.

Allele frequency attached by ClinVar (database versions not stated): gnomAD exomes 0.00037; ExAC 0.00046; gnomAD 0.00099; ESP Exome Variant Server 0.00146; TOPMed 0.00151; 1000 Genomes Project 0.00160; 1000 Genomes Project 30x 0.00219.
gnomAD v4.1: 432 of 1,613,760 alleles (0.027%); highest among the groups gnomAD compares: African/African-American, 0.49%; no homozygotes.

Submissions (4):

Labcorp Genetics (formerly Invitae), Labcorp
Classification: Likely benign for Ciliary dyskinesia, primary, 37; Spermatogenic failure 18. Last evaluated: 2026-01-05. Review status: criteria provided, single submitter. Criteria: Invitae Variant Classification Sherloc (09022015). Collection method: clinical testing. Allele origin: germline.

Blueprint Genetics
Classification: Benign. Last evaluated: 2024-08-06. Review status: criteria provided, single submitter. Criteria: ACMG Guidelines, 2015. Collection method: clinical testing. Allele origin: germline.

Breakthrough Genomics
Classification: Likely benign. Review status: criteria provided, single submitter. Criteria: ACMG Guidelines, 2015. Collection method: not provided. Allele origin: germline. Inheritance: Autosomal recessive inheritance. Affected: yes.

PreventionGenetics, part of Exact Sciences
Classification: Likely benign for DNAH1-related condition. Last evaluated: 2022-01-28. Review status: no assertion criteria provided. Collection method: clinical testing. Allele origin: germline. Not counted in ClinVar's aggregate classification.
Comment: This variant is classified as likely benign based on ACMG/AMP sequence variant interpretation guidelines (Richards et al. 2015 PMID: 25741868, with internal and published modifications).